The following is an entry in ClinVar:

ClinVar aggregate classification (germline): Uncertain significance. Review status: criteria provided, multiple submitters, no conflicts (2 of 4 stars). 2 submissions from 2 submitters: Uncertain significance (2). Last evaluated 2024-10-28.

Conditions:
Spondyloenchondrodysplasia with immune dysregulation (SPENCDI). Also called: COMBINED IMMUNODEFICIENCY WITH AUTOIMMUNITY AND SPONDYLOMETAPHYSEAL DYSPLASIA; ROIFMAN IMMUNOSKELETAL SYNDROME; SPONDYLOENCHONDRODYSPLASIA WITH OR WITHOUT IMMUNE DYSREGULATION. Identifiers: Orphanet 1855, MedGen C1842763, MONDO:0011939, OMIM 607944.
Inborn genetic diseases. Identifiers: MedGen C0950123, MeSH D030342.

Allele frequency attached by ClinVar (database versions not stated): gnomAD exomes 0.00001; ExAC 0.00002; TOPMed 0.00003; gnomAD 0.00004 and 0.00005.
gnomAD v4.1: 65 of 1,613,840 alleles (0.004%); highest among the groups gnomAD compares: Non-Finnish European, 0.0048%; no homozygotes.

Submissions (2):

Labcorp Genetics (formerly Invitae), Labcorp
Classification: Uncertain significance for Spondyloenchondrodysplasia with immune dysregulation. Last evaluated: 2024-10-28. Review status: criteria provided, single submitter. Criteria: Invitae Variant Classification Sherloc (09022015). Collection method: clinical testing. Allele origin: germline.
Comment: This sequence change replaces arginine, which is basic and polar, with histidine, which is basic and polar, at codon 182 of the ACP5 protein (p.Arg182His). This variant is present in population databases (rs778805198, gnomAD 0.003%). This variant has not been reported in the literature in individuals affected with ACP5-related conditions. ClinVar contains an entry for this variant (Variation ID: 861813). Invitae Evidence Modeling of protein sequence and biophysical properties (such as structural, functional, and spatial information, amino acid conservation, physicochemical variation, residue mobility, and thermodynamic stability) indicates that this missense variant is not expected to disrupt ACP5 protein function with a negative predictive value of 95%. In summary, the available evidence is currently insufficient to determine the role of this variant in disease. Therefore, it has been classified as a Variant of Uncertain Significance.

Ambry Genetics
Classification: Uncertain significance for Inborn genetic diseases. Last evaluated: 2023-10-28. Review status: criteria provided, single submitter. Criteria: Ambry Variant Classification Scheme 2023. Collection method: clinical testing. Allele origin: germline.

NM_001611.5(ACP5):c.545G>A (p.Arg182His)

Gene: ACP5 (acid phosphatase 5, tartrate resistant; minus strand). Cytogenetic location: 19p13.2.
Variant type: single nucleotide variant.
Coding change: c.545G>A on transcript NM_001611.5 (MANE Select); coding-DNA position 545, G replaced by A.
Protein change: p.Arg182His; replaces arginine 182 with histidine.
Molecular consequence: missense variant.
Genome position (GRCh38, 1-based): chr19:11,576,433, C>T on the plus strand (G>A on the coding strand, the complement: ACP5 is on the minus strand). VCF-style: chr19-11576433-C-T. GRCh37 (hg19) VCF-style: chr19-11687248-C-T.
Other names: c.545G>A, p.Arg182His (NM_001111034.3, NM_001111035.3, NM_001111036.3 and 1 more transcripts); c.545G>A (NM_001111035.1); short protein forms R182H.
Identifiers: ClinVar variation 861813 (VCV000861813.11), dbSNP rs778805198, ClinGen allele CA9215388.
Genomic context (GRCh38, chr19:11,576,433, plus strand): 5'-ACCAGCACGTAGTCCTCCCTGGCCGCCGCCAGCTGTTTCTTGAGCCAGGACAGCTGTGTG[C>T]GGGCCAGCTTCACGTCTCGGGGCCTCTCAGGCTGCTGGCTGAGGAAGTCATCTGAGTTGC-3'
Protein context (NP_001602.1, residues 172-192): PERPRDVKLA[Arg182His]TQLSWLKKQL